The following is an entry in ClinVar:

ClinVar aggregate classification (germline): Benign. Review status: criteria provided, multiple submitters, no conflicts (2 of 4 stars). 2 submissions from 2 submitters: Benign (2). Last evaluated 2018-01-13.

Conditions:
Charcot-Marie-Tooth disease type 4H (CMT4H). Also called: CHARCOT-MARIE-TOOTH DISEASE, AUTOSOMAL RECESSIVE, TYPE 4H; CHARCOT-MARIE-TOOTH DISEASE, DEMYELINATING, AUTOSOMAL RECESSIVE, TYPE 4H; CHARCOT-MARIE-TOOTH NEUROPATHY, TYPE 4H; CHARCOT-MARIE-TOOTH DISEASE, DEMYELINATING, TYPE 4H. Identifiers: Orphanet 99954, MedGen C1836336, MONDO:0012250, OMIM 609311.

Allele frequency attached by ClinVar (database versions not stated): 1000 Genomes Project 0.46765; 1000 Genomes Project 30x 0.47908; gnomAD 0.48630 and 0.48969; TOPMed 0.49991.

Submissions (2):

Illumina Laboratory Services, Illumina
Classification: Benign for Charcot-Marie-Tooth disease type 4H. Last evaluated: 2018-01-13. Review status: criteria provided, single submitter. Criteria: ICSL Variant Classification Criteria 13 December 2019. Collection method: clinical testing. Allele origin: germline.
Comment: This variant was observed in the ICSL laboratory as part of a predisposition screen in an ostensibly healthy population. It had not been previously curated by ICSL or reported in the Human Gene Mutation Database (HGMD: prior to June 1st, 2018), and was therefore a candidate for classification through an automated scoring system. Utilizing variant allele frequency, disease prevalence and penetrance estimates, and inheritance mode, an automated score was calculated to assess if this variant is too frequent to cause the disease. Based on the score and internal cut-off values, a variant classified as benign is not then subjected to further curation. The score for this variant resulted in a classification of benign for this disease.

Breakthrough Genomics
Classification: Benign. Review status: criteria provided, single submitter. Criteria: ACMG Guidelines, 2015. Collection method: not provided. Allele origin: germline. Inheritance: Autosomal recessive inheritance. Affected: yes.

NM_001370298.3(FGD4):c.*5198G>A

Gene: FGD4 (FYVE, RhoGEF and PH domain containing 4; plus strand). Cytogenetic location: 12p11.21.
Variant type: single nucleotide variant.
Coding change: c.*5198G>A on transcript NM_001370298.3 (MANE Select); 5198 bases downstream of the stop codon, G replaced by A.
Molecular consequence: 3 prime UTR variant.
Genome position (GRCh38, 1-based): chr12:32,645,731, G>A. VCF-style: chr12-32645731-G-A. GRCh37 (hg19) VCF-style: chr12-32798665-G-A.
Other names: c.*5198G>A (NM_001304481.2, NM_001304484.2, NM_001330373.2 and 5 more transcripts); c.*1106G>A (NM_001384126.1, NM_001384127.1, NM_001384128.1).
Identifiers: ClinVar variation 308377 (VCV000308377.6), dbSNP rs1133509, ClinGen allele CA10637260.